The following is an entry in ClinVar:

ClinVar aggregate classification (germline): Uncertain significance (1 of 4 stars; one submission).

Conditions:
Amyotrophic lateral sclerosis type 15. Also called: AMYOTROPHIC LATERAL SCLEROSIS 15 WITH FRONTOTEMPORAL DEMENTIA. Identifiers: Orphanet 803, MedGen C3275459, MONDO:0010459, OMIM 300857.

Allele frequency attached by ClinVar (database versions not stated): ExAC 0.00006.
gnomAD v4.1: 6 of 1,150,359 alleles (0.00052%); highest among the groups gnomAD compares: Admixed American, 0.0027%; no homozygotes.

Submission:

Labcorp Genetics (formerly Invitae), Labcorp
Classification: Uncertain significance for Amyotrophic lateral sclerosis type 15. Last evaluated: 2022-03-08. Review status: criteria provided, single submitter. Criteria: Invitae Variant Classification Sherloc (09022015). Collection method: clinical testing. Allele origin: germline.
Comment: Algorithms developed to predict the effect of missense changes on protein structure and function are either unavailable or do not agree on the potential impact of this missense change (SIFT: "Not Available"; PolyPhen-2: "Benign"; Align-GVGD: "Not Available"). This variant has not been reported in the literature in individuals affected with UBQLN2-related conditions. This variant is present in population databases (rs779715794, gnomAD 0.006%). This sequence change replaces alanine, which is neutral and non-polar, with serine, which is neutral and polar, at codon 2 of the UBQLN2 protein (p.Ala2Ser). In summary, the available evidence is currently insufficient to determine the role of this variant in disease. Therefore, it has been classified as a Variant of Uncertain Significance.

NM_013444.4(UBQLN2):c.4G>T (p.Ala2Ser)

Gene: UBQLN2 (ubiquilin 2; plus strand). Cytogenetic location: Xp11.21.
Variant type: single nucleotide variant.
Coding change: c.4G>T on transcript NM_013444.4 (MANE Select); coding-DNA position 4, G replaced by T.
Protein change: p.Ala2Ser; replaces alanine 2 with serine.
Molecular consequence: missense variant.
Genome position (GRCh38, 1-based): chrX:56,563,877, G>T. VCF-style: chrX-56563877-G-T. GRCh37 (hg19) VCF-style: chrX-56590310-G-T.
Other names: short protein forms A2S.
Identifiers: ClinVar variation 2419975 (VCV002419975.6), dbSNP rs779715794, ClinGen allele CA10430029.